The following is an entry in ClinVar:

ClinVar aggregate classification (germline): Pathogenic/Likely pathogenic. Review status: criteria provided, multiple submitters, no conflicts (2 of 4 stars). 2 submissions from 2 submitters: Pathogenic (1); Likely pathogenic (1). Last evaluated 2026-01-28.

Conditions:
Autosomal dominant epilepsy with auditory features. Identifiers: Orphanet 101046, MedGen C1838062, MONDO:0010898.
Inborn genetic diseases. Identifiers: MedGen C0950123, MeSH D030342.

Submissions (2):

Labcorp Genetics (formerly Invitae), Labcorp
Classification: Pathogenic for Autosomal dominant epilepsy with auditory features. Last evaluated: 2026-01-28. Review status: criteria provided, single submitter. Criteria: Invitae Variant Classification Sherloc (09022015). Collection method: clinical testing. Allele origin: germline.
Comment: This sequence change creates a premature translational stop signal (p.Gln480Leufs*4) in the LGI1 gene. While this is not anticipated to result in nonsense mediated decay, it is expected to disrupt the last 78 amino acid(s) of the LGI1 protein. This variant is not present in population databases (gnomAD no frequency). This variant has not been reported in the literature in individuals affected with LGI1-related conditions. ClinVar contains an entry for this variant (Variation ID: 464746). This variant disrupts a region of the LGI1 protein in which other variant(s) (p.Ile547Asnfs*8) have been determined to be pathogenic (PMID: 11810107, 15857855, 18711109). This suggests that this is a clinically significant region of the protein, and that variants that disrupt it are likely to be disease-causing. For these reasons, this variant has been classified as Pathogenic.

Ambry Genetics
Classification: Likely pathogenic for Inborn genetic diseases. Last evaluated: 2025-11-20. Review status: criteria provided, single submitter. Criteria: Ambry Variant Classification Scheme 2023. Collection method: clinical testing. Allele origin: germline.
Comment: The c.1439_1442delAGCC variant, located in coding exon 8 of the LGI1 gene, results from a deletion of 4 nucleotides at nucleotide positions 1439 to 1442, causing a translational frameshift with a predicted alternate stop codon (p.Q480Lfs*4). This alteration occurs at the 3' terminus of the gene, is not expected to trigger nonsense-mediated mRNA decay, and impacts the last 14% of the protein. However, premature stop codons are typically deleterious in nature, the impacted region is critical for protein function, and a significant portion of the protein is affected (Ambry internal data). This variant was reported in individuals with features consistent with LGI1-related familial temporal lobe epilepsy (Truty R et al. Epilepsia Open, 2019 Sep;4:397-408; Ambry internal data). This variant is considered to be rare based on population cohorts in the Genome Aggregation Database (gnomAD). Based on the majority of available evidence to date, this variant is likely to be pathogenic.

Literature cited by the submitters: PubMed 11810107 (cited by Labcorp Genetics (formerly Invitae), Labcorp and Ambry Genetics); PubMed 15857855 (cited by Labcorp Genetics (formerly Invitae), Labcorp and Ambry Genetics); PubMed 18711109 (cited by Labcorp Genetics (formerly Invitae), Labcorp and Ambry Genetics); PubMed 20659151 (cited by Ambry Genetics); PubMed 31440721 (cited by Ambry Genetics).

NM_005097.4(LGI1):c.1439_1442del (p.Gln480fs)

Gene: LGI1 (leucine rich glioma inactivated 1; plus strand). Cytogenetic location: 10q23.33.
Variant type: Deletion.
Coding change: c.1439_1442del on transcript NM_005097.4 (MANE Select); coding-DNA positions 1439 to 1442, 4 bases deleted (AGCC; older notation c.1439_1442delAGCC).
Protein change: p.Gln480fs; shifts the reading frame from glutamine 480.
Molecular consequence: frameshift variant. On other transcripts: non-coding transcript variant (1), intron variant (1).
Genome position (GRCh38, 1-based): chr10:93,797,568-93,797,571, AGCC deleted; deleting any 4 consecutive bases within chr10:93,797,566-93,797,571 gives the same sequence; the c. name uses the placement nearest the transcript's 3' end. VCF-style (leftmost placement, unchanged base first): chr10-93797565-TCCAG-T. GRCh37 (hg19) VCF-style: chr10-95557322-TCCAG-T.
Other names: c.1295_1298del, p.Gln432fs (NM_001308276.2); c.839-181_839-178del (NM_001308275.2); c.1439_1442del (NM_005097.2); short protein forms Q480fs, Q432fs.
Identifiers: ClinVar variation 464746 (VCV000464746.15), dbSNP rs1554907835, ClinGen allele CA658658005.
Genomic context (GRCh38, chr10:93,797,565, plus strand): 5'-AATGGGGAGGCTCCTCGTTCCAGGATATTCAGAGGATGCCATCGCGAGGATCCATGGTGT[TCCAG>T]CCTCTTCAAATAAATAATTACCAATATGCAATTCTTGGAAGTGATTACTCCTTTACTCAA-3'